The following is an entry in ClinVar:

NM_005262.3(GFER):c.387G>A (p.Met129Ile)

Gene: GFER (growth factor, augmenter of liver regeneration; plus strand). Cytogenetic location: 16p13.3.
Variant type: single nucleotide variant.
Coding change: c.387G>A on transcript NM_005262.3 (MANE Select); coding-DNA position 387, G replaced by A.
Protein change: p.Met129Ile; replaces methionine 129 with isoleucine.
Molecular consequence: missense variant.
Genome position (GRCh38, 1-based): chr16:1,984,875, G>A. VCF-style: chr16-1984875-G-A. GRCh37 (hg19) VCF-style: chr16-2034876-G-A.
Other names: short protein forms M129I.
Identifiers: ClinVar variation 2097927 (VCV002097927.4), dbSNP rs1172344686, ClinGen allele CA394303131.

ClinVar aggregate classification (germline): Uncertain significance (1 of 4 stars; one submission).

Allele frequency attached by ClinVar (database versions not stated): gnomAD exomes below 0.00001; gnomAD 0.00001.

Submission:

Labcorp Genetics (formerly Invitae), Labcorp
Classification: Uncertain significance. Last evaluated: 2024-03-04. Review status: criteria provided, single submitter. Criteria: Invitae Variant Classification Sherloc (09022015). Collection method: clinical testing. Allele origin: germline.
Comment: This sequence change replaces methionine, which is neutral and non-polar, with isoleucine, which is neutral and non-polar, at codon 129 of the GFER protein (p.Met129Ile). The frequency data for this variant in the population databases is considered unreliable, as metrics indicate poor data quality at this position in the gnomAD database. This variant has not been reported in the literature in individuals affected with GFER-related conditions. ClinVar contains an entry for this variant (Variation ID: 2097927). An algorithm developed to predict the effect of missense changes on protein structure and function (PolyPhen-2) suggests that this variant is likely to be disruptive. In summary, the available evidence is currently insufficient to determine the role of this variant in disease. Therefore, it has been classified as a Variant of Uncertain Significance.